The following is an entry in ClinVar:

ClinVar aggregate classification (germline): Pathogenic (1 of 4 stars; one submission).

Conditions:
Neurofibromatosis, type 1 (NF1). Also called: Peripheral type neurofibromatosis; VON RECKLINGHAUSEN DISEASE; Neurofibromatosis, type I; NEUROFIBROMATOSIS, TYPE I, SOMATIC. Identifiers: Orphanet 636, MedGen C0027831, MONDO:0018975, OMIM 162200. Disease mechanism: loss of function.

Submission:

Labcorp Genetics (formerly Invitae), Labcorp
Classification: Pathogenic for Neurofibromatosis, type 1. Last evaluated: 2024-04-17. Review status: criteria provided, single submitter. Criteria: Invitae Variant Classification Sherloc (09022015). Collection method: clinical testing. Allele origin: germline.
Comment: This sequence change creates a premature translational stop signal (p.Arg2164Serfs*15) in the NF1 gene. It is expected to result in an absent or disrupted protein product. Loss-of-function variants in NF1 are known to be pathogenic (PMID: 10712197, 23913538). This variant is not present in population databases (gnomAD no frequency). This variant has not been reported in the literature in individuals affected with NF1-related conditions. For these reasons, this variant has been classified as Pathogenic.

Literature cited by the submitters: PubMed 10712197; PubMed 23913538.

NM_001042492.3(NF1):c.6555del (p.Arg2185fs)

Gene: NF1 (neurofibromin 1; plus strand). Cytogenetic location: 17q11.2.
Variant type: Deletion.
Coding change: c.6555del on transcript NM_001042492.3 (MANE Select); coding-DNA position 6555, one base deleted (G; older notation c.6555delG).
Protein change: p.Arg2185fs; shifts the reading frame from arginine 2185.
Molecular consequence: frameshift variant.
Genome position (GRCh38, 1-based): chr17:31,337,495, G deleted; the last of 2 consecutive G bases (chr17:31,337,494-31,337,495); deleting either gives the same sequence. VCF-style (leftmost placement, unchanged base first): chr17-31337493-AG-A. GRCh37 (hg19) VCF-style: chr17-29664511-AG-A.
Other names: c.6492delG, p.Arg2164Serfs (NM_000267.4); short protein forms R2164fs, R2185fs.
Identifiers: ClinVar variation 3650202 (VCV003650202.2).